The following is an entry in ClinVar:

NM_000026.4(ADSL):c.1027G>A (p.Glu343Lys)

Gene: ADSL (adenylosuccinate lyase; plus strand). Cytogenetic location: 22q13.1.
Variant type: single nucleotide variant.
Coding change: c.1027G>A on transcript NM_000026.4 (MANE Select); coding-DNA position 1027, G replaced by A.
Protein change: p.Glu343Lys; replaces glutamic acid 343 with lysine.
Molecular consequence: missense variant. On other transcripts: non-coding transcript variant (1).
Genome position (GRCh38, 1-based): chr22:40,362,997, G>A. VCF-style: chr22-40362997-G-A. GRCh37 (hg19) VCF-style: chr22-40759001-G-A.
Other names: c.1027G>A, p.Glu343Lys (NM_001123378.3, NM_001363840.3); c.835G>A, p.Glu279Lys (NM_001317923.2); short protein forms E343K, E279K.
Identifiers: ClinVar variation 654793 (VCV000654793.9), dbSNP rs774159147, ClinGen allele CA10247894.
Genomic context (GRCh38, chr22:40,362,997, plus strand): 5'-AATTATTTGTTTAAAGACATACTGAATGGCTATTTGTTTTCTAGACGGATCTGTTTGGCC[G>A]AGGCATTTCTTACCGCAGATACTATATTGAATACGCTGCAGAACATTTCTGAAGGATTGG-3'
Protein context (NP_000017.1, residues 333-353): DSANRRICLA[Glu343Lys]AFLTADTILN

ClinVar aggregate classification (germline): Uncertain significance. Review status: criteria provided, single submitter (1 of 4 stars). 2 submissions from 2 submitters: Uncertain significance (1). 1 of the submissions does not count toward it. Last evaluated 2021-09-02.

Conditions:
Adenylosuccinate lyase deficiency (ADSLD). Also called: ADSL DEFICIENCY. Identifiers: Orphanet 46, MedGen C0268126, MONDO:0007068, OMIM 103050.

Allele frequency attached by ClinVar (database versions not stated): gnomAD exomes 0.00001 and 0.00002; TOPMed below 0.00001; ExAC 0.00002.
gnomAD v4.1: 22 of 1,614,056 alleles (0.0014%); highest among the groups gnomAD compares: African/African-American, 0.0027%; no homozygotes.

Submissions (2):

Labcorp Genetics (formerly Invitae), Labcorp
Classification: Uncertain significance for Adenylosuccinate lyase deficiency. Last evaluated: 2021-09-02. Review status: criteria provided, single submitter. Criteria: Invitae Variant Classification Sherloc (09022015). Collection method: clinical testing. Allele origin: germline.
Comment: This sequence change replaces glutamic acid with lysine at codon 343 of the ADSL protein (p.Glu343Lys). The glutamic acid residue is highly conserved and there is a small physicochemical difference between glutamic acid and lysine. This variant is present in population databases (rs774159147, ExAC 0.003%). This variant has not been reported in the literature in individuals affected with ADSL-related conditions. Algorithms developed to predict the effect of missense changes on protein structure and function are either unavailable or do not agree on the potential impact of this missense change (SIFT: "Deleterious"; PolyPhen-2: "Benign"; Align-GVGD: "Class C0"). In summary, the available evidence is currently insufficient to determine the role of this variant in disease. Therefore, it has been classified as a Variant of Uncertain Significance.

Molecular Genetics Laboratory, Edith Wolfson Medical Center
Classification: Likely pathogenic for Adenylosuccinate lyase deficiency. Last evaluated: 2020-03-01. Review status: no assertion criteria provided. Collection method: in vitro. Allele origin: inherited. Inheritance: Autosomal recessive inheritance. Affected: yes. Observed: 1 homozygote. Not counted in ClinVar's aggregate classification.
Comment: Whole Exome Sequencing revealed a novel homozygous variant in the ADSL gene: c.1027G>A ; There was a marked elevation of urine succinyladenosine (S-Ado), confirming the diagnosis of ADSL deficiency. In conclusion: Myoclonic tremor status expands the spectrum of movement disorders seen in Adenylosuccinate Lyase deficiency.